The following is an entry in ClinVar:

ClinVar aggregate classification (germline): Uncertain significance. Review status: criteria provided, multiple submitters, no conflicts (2 of 4 stars). 4 submissions from 4 submitters: Uncertain significance (4). Last evaluated 2026-08-04.

Conditions:
DMXL2-related disorder. Also called: DMXL2-related condition.
Inborn genetic diseases. Identifiers: MedGen C0950123, MeSH D030342.

Allele frequency attached by ClinVar (database versions not stated): TOPMed 0.00008; ExAC 0.00011; gnomAD exomes 0.00011; gnomAD 0.00016.
gnomAD v4.1: 363 of 1,612,658 alleles (0.023%); highest among the groups gnomAD compares: South Asian, 0.048%; no homozygotes.

Submissions (4):

PreventionGenetics, part of Exact Sciences
Classification: Uncertain significance for DMXL2-related condition. Last evaluated: 2026-08-04. Review status: criteria provided, single submitter. Criteria: ACMG Guidelines, 2015. Collection method: clinical testing. Allele origin: germline.
Comment: The DMXL2 c.8638G>C variant is predicted to result in the amino acid substitution p.Val2880Leu. To our knowledge, this variant has not been reported in the literature. This variant is reported in 0.039% of alleles in individuals of South Asian descent in gnomAD. At this time, the clinical significance of this variant is uncertain due to the absence of conclusive functional and genetic evidence.

Ambry Genetics
Classification: Uncertain significance for Inborn genetic diseases. Last evaluated: 2024-01-31. Review status: criteria provided, single submitter. Criteria: Ambry Variant Classification Scheme 2023. Collection method: clinical testing. Allele origin: germline.

Labcorp Genetics (formerly Invitae), Labcorp
Classification: Uncertain significance. Last evaluated: 2022-09-27. Review status: criteria provided, single submitter. Criteria: Invitae Variant Classification Sherloc (09022015). Collection method: clinical testing. Allele origin: germline.
Comment: This sequence change replaces valine, which is neutral and non-polar, with leucine, which is neutral and non-polar, at codon 2880 of the DMXL2 protein (p.Val2880Leu). This variant is present in population databases (rs747567052, gnomAD 0.04%). This variant has not been reported in the literature in individuals affected with DMXL2-related conditions. ClinVar contains an entry for this variant (Variation ID: 807261). Algorithms developed to predict the effect of missense changes on protein structure and function (SIFT, PolyPhen-2, Align-GVGD) all suggest that this variant is likely to be tolerated. In summary, the available evidence is currently insufficient to determine the role of this variant in disease. Therefore, it has been classified as a Variant of Uncertain Significance.

CeGaT Center for Human Genetics Tuebingen
Classification: Uncertain significance. Last evaluated: 2016-09-01. Review status: criteria provided, single submitter. Criteria: CeGaT Center For Human Genetics Tuebingen Variant Classification Criteria Version 2. Collection method: clinical testing. Allele origin: germline. Affected: yes. Observed: 1 variant allele.

NM_001378457.1(DMXL2):c.8701G>C (p.Val2901Leu)

Gene: DMXL2 (Dmx like 2; minus strand). Cytogenetic location: 15q21.2.
Variant type: single nucleotide variant.
Coding change: c.8701G>C on transcript NM_001378457.1 (MANE Select); coding-DNA position 8701, G replaced by C.
Protein change: p.Val2901Leu; replaces valine 2901 with leucine.
Molecular consequence: missense variant. On other transcripts: non-coding transcript variant (1).
Genome position (GRCh38, 1-based): chr15:51,451,693, C>G on the plus strand (G>C on the coding strand, the complement: DMXL2 is on the minus strand). VCF-style: chr15-51451693-C-G. GRCh37 (hg19) VCF-style: chr15-51743890-C-G.
Other names: c.8638G>C, p.Val2880Leu (NM_001174116.3); c.6727G>C, p.Val2243Leu (NM_001174117.3); c.8698G>C, p.Val2900Leu (NM_001378458.1); c.8413G>C, p.Val2805Leu (NM_001378459.1); c.6616G>C, p.Val2206Leu (NM_001378460.1); c.8635G>C, p.Val2879Leu (NM_015263.5); c.8638G>C (NM_001174116.1); short protein forms V2243L, V2880L, V2879L, V2206L, V2805L, V2900L, V2901L.
Identifiers: ClinVar variation 807261 (VCV000807261.46), dbSNP rs747567052, ClinGen allele CA7560928.
Genomic context (GRCh38, chr15:51,451,693, plus strand): 5'-ACCTTAACTCACCATGAATGAGGCTGTTTCCGGGTGATATTAATGTGTCCCAGAGGCAAA[C>G]ATTTCTTTTAAAGAAACACAATAACAAAAATACATCATAAATGATTGTTATAAGTCGTCA-3'
Protein context (NP_001365386.1, residues 2891-2911): TSGHSNDNRN[Val2901Leu]CLWDTLISPG